The following is an entry in ClinVar:

ClinVar aggregate classification (germline): Uncertain significance (1 of 4 stars; one submission).

Conditions:
Encephalopathy, acute, infection-induced (herpes-specific), susceptibility to, 1. Also called: Herpes simplex encephalitis, susceptibility to, 1. Identifiers: Orphanet 1930, MedGen C2750180, MONDO:0024563, OMIM 610551.

Allele frequency attached by ClinVar (database versions not stated): gnomAD exomes 0.00001 and 0.00003; gnomAD 0.00004 and 0.00003; TOPMed 0.00001.
gnomAD v4.1: 42 of 1,532,018 alleles (0.0027%); highest among the groups gnomAD compares: Middle Eastern, 0.023%; no homozygotes.

Submission:

Labcorp Genetics (formerly Invitae), Labcorp
Classification: Uncertain significance for Encephalopathy, acute, infection-induced (herpes-specific), susceptibility to, 1. Last evaluated: 2023-07-07. Review status: criteria provided, single submitter. Criteria: Invitae Variant Classification Sherloc (09022015). Collection method: clinical testing. Allele origin: germline.
Comment: This sequence change replaces aspartic acid, which is acidic and polar, with asparagine, which is neutral and polar, at codon 551 of the UNC93B1 protein (p.Asp551Asn). The frequency data for this variant in the population databases is considered unreliable, as metrics indicate poor data quality at this position in the gnomAD database. This variant has not been reported in the literature in individuals affected with UNC93B1-related conditions. ClinVar contains an entry for this variant (Variation ID: 1002681). Experimental studies and prediction algorithms are not available or were not evaluated, and the functional significance of this variant is currently unknown. In summary, the available evidence is currently insufficient to determine the role of this variant in disease. Therefore, it has been classified as a Variant of Uncertain Significance.

NM_030930.4(UNC93B1):c.1651G>A (p.Asp551Asn)

Gene: UNC93B1 (unc-93B1 regulator of TLR signaling; minus strand). Cytogenetic location: 11q13.2.
Variant type: single nucleotide variant.
Coding change: c.1651G>A on transcript NM_030930.4 (MANE Select); coding-DNA position 1651, G replaced by A.
Protein change: p.Asp551Asn; replaces aspartic acid 551 with asparagine.
Molecular consequence: missense variant.
Genome position (GRCh38, 1-based): chr11:67,991,689, C>T on the plus strand (G>A on the coding strand, the complement: UNC93B1 is on the minus strand). VCF-style: chr11-67991689-C-T. GRCh37 (hg19) VCF-style: chr11-67759160-C-T.
Other names: short protein forms D551N.
Identifiers: ClinVar variation 1002681 (VCV001002681.5), dbSNP rs1308430306, ClinGen allele CA381567162.